The following is an entry in ClinVar:

NM_020921.4(NIN):c.3080CTC[1] (p.Pro1028del)

Gene: NIN (ninein; minus strand). Cytogenetic location: 14q22.1.
Variant type: Microsatellite.
Coding change: c.3080CTC[1] on transcript NM_020921.4 (MANE Select); one copy of the 3-base unit CTC starting at c.3080; the reference has two copies in a row; one copy, 3 bases deleted.
Protein change: p.Pro1028del; deletes proline 1028.
Molecular consequence: inframe deletion. On other transcripts: intron variant (1).
Genome position (GRCh38, 1-based): chr14:50,757,945-50,757,947, GAG deleted on the plus strand (CTC on the coding strand, the reverse complement: NIN is on the minus strand); deleting any 3 consecutive bases within chr14:50,757,945-50,757,950 gives the same sequence; the position shown is the placement nearest the transcript's 3' end. VCF-style (leftmost placement, unchanged base first): chr14-50757944-AGAG-A. GRCh37 (hg19) VCF-style: chr14-51224662-AGAG-A.
Other names: c.3080CTC[1], p.Pro1028del (NM_182944.3, NM_182946.2); c.2399+1910_2399+1912del (NM_016350.5); c.3083_3085delCTC (NM_020921.3); short protein forms P1028del.
Identifiers: ClinVar variation 1355611 (VCV001355611.8), dbSNP rs369382014, ClinGen allele CA7181806.

ClinVar aggregate classification (germline): Uncertain significance. Review status: criteria provided, single submitter (1 of 4 stars). 2 submissions from 2 submitters: Uncertain significance (1). 1 of the submissions does not count toward it. Last evaluated 2025-10-22.

Conditions:
NIN-related disorder. Also called: NIN-related condition.

Submissions (2):

Labcorp Genetics (formerly Invitae), Labcorp
Classification: Uncertain significance. Last evaluated: 2025-10-22. Review status: criteria provided, single submitter. Criteria: Invitae Variant Classification Sherloc (09022015). Collection method: clinical testing. Allele origin: germline.
Comment: This variant, c.3083_3085del, results in the deletion of 1 amino acid(s) of the NIN protein (p.Pro1028del), but otherwise preserves the integrity of the reading frame. This variant is present in population databases (rs369382014, gnomAD 0.2%), and has an allele count higher than expected for a pathogenic variant. This variant has not been reported in the literature in individuals affected with NIN-related conditions. Experimental studies and prediction algorithms are not available or were not evaluated, and the functional significance of this variant is currently unknown. In summary, the available evidence is currently insufficient to determine the role of this variant in disease. Therefore, it has been classified as a Variant of Uncertain Significance.

PreventionGenetics, part of Exact Sciences
Classification: Likely benign for NIN-related condition. Last evaluated: 2022-02-03. Review status: no assertion criteria provided. Collection method: clinical testing. Allele origin: germline. Not counted in ClinVar's aggregate classification.
Comment: This variant is classified as likely benign based on ACMG/AMP sequence variant interpretation guidelines (Richards et al. 2015 PMID: 25741868, with internal and published modifications).